The following is an entry in ClinVar:

NM_005585.5(SMAD6):c.1469del (p.Ile490fs)

Gene: SMAD6 (SMAD family member 6; plus strand). Cytogenetic location: 15q22.31.
Variant type: Deletion.
Coding change: c.1469del on transcript NM_005585.5 (MANE Select); coding-DNA position 1469, one base deleted (T; older notation c.1469delT).
Protein change: p.Ile490fs; shifts the reading frame from isoleucine 490.
Molecular consequence: frameshift variant. On other transcripts: non-coding transcript variant (1).
Genome position (GRCh38, 1-based): chr15:66,781,513, T deleted. VCF-style (leftmost placement, unchanged base first): chr15-66781512-AT-A. GRCh37 (hg19) VCF-style: chr15-67073850-AT-A.
Other names: short protein forms I490fs.
Identifiers: ClinVar variation 5002365 (VCV005002365.1).

ClinVar aggregate classification (germline): Uncertain significance (1 of 4 stars; one submission).

Conditions:
SMAD6-related disease. Also called: SMAD6-related condition; SMAD6-related disorder. Identifiers: MedGen CN381596, MONDO:0700324.

Submission:

PreventionGenetics, part of Exact Sciences
Classification: Uncertain significance for SMAD6-related condition. Last evaluated: 2025-07-09. Review status: criteria provided, single submitter. Criteria: ACMG Guidelines, 2015. Collection method: clinical testing. Allele origin: germline.
Comment: The SMAD6 c.1469delT variant is predicted to result in a frameshift and premature protein termination (p.Ile490Thrfs*49). To our knowledge, this variant has not been reported in the literature or in a large population database (gnomAD), indicating this variant is rare. This variant resides in the last exon of SMAD6 gene and it is unclear whether the resulting messenger RNA escapes nonsense mediated decay. At this time, the clinical significance of this variant is uncertain due to the absence of conclusive functional and genetic evidence.